The following is an entry in ClinVar:

ClinVar aggregate classification (germline): Pathogenic/Likely pathogenic. Review status: criteria provided, multiple submitters, no conflicts (2 of 4 stars). 2 submissions from 2 submitters: Pathogenic (1); Likely pathogenic (1). Last evaluated 2025-08-13.

Conditions:
Hereditary cancer-predisposing syndrome. Also called: Neoplastic Syndromes, Hereditary; Tumor predisposition; Hereditary neoplastic syndrome; Hereditary Cancer Syndrome. Identifiers: Orphanet 140162, MedGen C0027672, MeSH D009386, MONDO:0015356.
Cardiovascular phenotype. Identifiers: MedGen CN230736.

Submissions (2):

GeneDx
Classification: Pathogenic. Last evaluated: 2025-08-13. Review status: criteria provided, single submitter. Criteria: GeneDx Variant Classification Process June 2021. Collection method: clinical testing. Allele origin: germline. Affected: yes.
Comment: Canonical splice site variant predicted to result in an in-frame loss of the adjacent exon in a gene for which loss of function is a known mechanism of disease; Deletions involving coding exons of this gene are a known mechanism of disease; Not observed at significant frequency in large population cohorts (gnomAD); Also known as IVS10a+2T>A; This variant is associated with the following publications: (PMID: 25525159, 11857752, 23913538)

Ambry Genetics
Classification: Likely pathogenic for Cardiovascular phenotype; Hereditary cancer-predisposing syndrome. Last evaluated: 2025-08-12. Review status: criteria provided, single submitter. Criteria: Ambry Variant Classification Scheme 2023. Collection method: clinical testing. Allele origin: germline.
Comment: The c.1392+2T>A intronic variant results from a T to A substitution two nucleotides after coding exon 12 in the NF1 gene. This variant was reported in individual(s) with features consistent with neurofibromatosis type 1 (Kluwe L et al. Hum Mutat, 2002 Mar;19:309). This nucleotide position is highly conserved in available vertebrate species. In silico splice site analysis predicts that this alteration will weaken the native splice donor site; however, direct evidence is insufficient at this time (Kluwe L et al. Hum Mutat, 2002 Mar;19:309; Ambry internal data). This variant is considered to be rare based on population cohorts in the Genome Aggregation Database (gnomAD). Based on the majority of available evidence to date, this variant is likely to be pathogenic.

Literature cited by the submitters: PubMed 11857752 (cited by Ambry Genetics).

NM_001042492.3(NF1):c.1392+2T>A

Gene: NF1 (neurofibromin 1; plus strand). Cytogenetic location: 17q11.2.
Variant type: single nucleotide variant.
Coding change: c.1392+2T>A on transcript NM_001042492.3 (MANE Select); the canonical splice donor site of the intron after coding-DNA position 1392, T replaced by A.
Molecular consequence: splice donor variant.
Genome position (GRCh38, 1-based): chr17:31,206,373, T>A. VCF-style: chr17-31206373-T-A. GRCh37 (hg19) VCF-style: chr17-29533391-T-A.
Other names: c.1392+2T>A (NM_000267.4, NM_001128147.3).
Identifiers: ClinVar variation 3338874 (VCV003338874.4).